The following is an entry in ClinVar:

ClinVar aggregate classification (germline): Conflicting classifications of pathogenicity. Review status: criteria provided, conflicting classifications (1 of 4 stars). 3 submissions from 3 submitters: Uncertain significance (2); Likely benign (1). Last evaluated 2025-08-05.

Conditions:
Cardiovascular phenotype. Identifiers: MedGen CN230736.
Ehlers-Danlos syndrome due to tenascin-X deficiency (EDSCLL1). Also called: EHLERS-DANLOS SYNDROME, CLASSIC-LIKE; Ehlers-Danlos syndrome, classic-like, 1; TNX DEFICIENCY; EDS DUE TO TNX DEFICIENCY; TNXB-Related Classical-Like Ehlers-Danlos Syndrome. Identifiers: Orphanet 230839, MedGen C1848029, MONDO:0011670, OMIM 606408.

Allele frequency attached by ClinVar (database versions not stated): ExAC 0.00011; 1000 Genomes Project 30x 0.00016; 1000 Genomes Project 0.00020; TOPMed 0.00030; ESP Exome Variant Server 0.00050.
gnomAD v4.1: 116 of 1,607,478 alleles (0.0072%); highest among the groups gnomAD compares: African/African-American, 0.055%; no homozygotes.

Submissions (3):

Ambry Genetics
Classification: Uncertain significance for Cardiovascular phenotype. Last evaluated: 2025-08-05. Review status: criteria provided, single submitter. Criteria: Ambry Variant Classification Scheme 2023. Collection method: clinical testing. Allele origin: germline.
Comment: The p.G66A variant (also known as c.197G>C), located in coding exon 1 of the TNXB gene, results from a G to C substitution at nucleotide position 197. The glycine at codon 66 is replaced by alanine, an amino acid with similar properties. This amino acid position is well conserved in available vertebrate species. In addition, the in silico prediction for this alteration is inconclusive. Based on the available evidence, the clinical significance of this variant remains unclear.

3billion
Classification: Likely benign for Ehlers-Danlos syndrome due to tenascin-X deficiency. Last evaluated: 2024-09-20. Review status: criteria provided, single submitter. Criteria: ACMG Guidelines, 2015. Collection method: clinical testing. Allele origin: germline. Affected: no.
Comment: The homozygous variant was found in patients diagnosed with another variant in a different gene, with no symptoms related to the gene containing the homozygous variant.

GeneDx
Classification: Uncertain significance. Last evaluated: 2023-08-15. Review status: criteria provided, single submitter. Criteria: GeneDx Variant Classification Process June 2021. Collection method: clinical testing. Allele origin: germline. Affected: yes.
Comment: Has not been previously published as pathogenic or benign to our knowledge; In silico analysis supports that this missense variant has a deleterious effect on protein structure/function

NM_001365276.2(TNXB):c.197G>C (p.Gly66Ala)

Gene: TNXB (tenascin XB; minus strand). Cytogenetic location: 6p21.33.
Variant type: single nucleotide variant.
Coding change: c.197G>C on transcript NM_001365276.2 (MANE Select); coding-DNA position 197, G replaced by C.
Protein change: p.Gly66Ala; replaces glycine 66 with alanine.
Molecular consequence: missense variant.
Genome position (GRCh38, 1-based): chr6:32,098,002, C>G on the plus strand (G>C on the coding strand, the complement: TNXB is on the minus strand). VCF-style: chr6-32098002-C-G. GRCh37 (hg19) VCF-style: chr6-32065779-C-G.
Other names: c.197G>C, p.Gly66Ala (NM_019105.8); short protein forms G66A.
Identifiers: ClinVar variation 1783786 (VCV001783786.6), dbSNP rs200569294, ClinGen allele CA3735892.